The following is an entry in ClinVar:

ClinVar aggregate classification (germline): Uncertain significance (1 of 4 stars; one submission).

Submission:

GeneDx
Classification: Uncertain significance. Last evaluated: 2020-01-23. Review status: criteria provided, single submitter. Criteria: GeneDx Variant Classification Process June 2021. Collection method: clinical testing. Allele origin: germline. Affected: yes.
Comment: Not observed in large population cohorts (Lek et al., 2016); In silico analysis, which includes protein predictors and evolutionary conservation, supports that this variant does not alter protein structure/function; Has not been previously published as pathogenic or benign to our knowledge

NM_004519.4(KCNQ3):c.2357G>C (p.Ser786Thr)

Gene: KCNQ3 (potassium voltage-gated channel subfamily Q member 3; minus strand). Cytogenetic location: 8q24.22.
Variant type: single nucleotide variant.
Coding change: c.2357G>C on transcript NM_004519.4 (MANE Select); coding-DNA position 2357, G replaced by C.
Protein change: p.Ser786Thr; replaces serine 786 with threonine.
Molecular consequence: missense variant.
Genome position (GRCh38, 1-based): chr8:132,129,524, C>G on the plus strand (G>C on the coding strand, the complement: KCNQ3 is on the minus strand). VCF-style: chr8-132129524-C-G. GRCh37 (hg19) VCF-style: chr8-133141771-C-G.
Other names: c.1997G>C, p.Ser666Thr (NM_001204824.2); short protein forms S666T, S786T.
Identifiers: ClinVar variation 1311477 (VCV001311477.2), dbSNP rs2130923041, ClinGen allele CA372216069.